The following is an entry in ClinVar:

ClinVar aggregate classification (germline): Uncertain significance (1 of 4 stars; one submission).

Conditions:
Gnathodiaphyseal dysplasia (GDD). Also called: GNATHODIAPHYSEAL SCLEROSIS; OSTEOGENESIS IMPERFECTA WITH UNUSUAL SKELETAL LESIONS. Identifiers: Orphanet 53697, MedGen C1833736, MONDO:0008151, OMIM 166260.
Autosomal recessive limb-girdle muscular dystrophy type 2L (LGMDR12). Also called: Limb-girdle muscular dystrophy, type 2L; MUSCULAR DYSTROPHY, LIMB-GIRDLE, AUTOSOMAL RECESSIVE 12; Limb-Girdle Muscular Dystrophy R12 Anoctamin-5-Related (LGMD-R12). Identifiers: Orphanet 206549, MedGen C1969785, MONDO:0012652, OMIM 611307.

Submission:

Labcorp Genetics (formerly Invitae), Labcorp
Classification: Uncertain significance for Autosomal recessive limb-girdle muscular dystrophy type 2L; Gnathodiaphyseal dysplasia. Last evaluated: 2024-09-21. Review status: criteria provided, single submitter. Criteria: Invitae Variant Classification Sherloc (09022015). Collection method: clinical testing. Allele origin: germline.
Comment: This sequence change replaces glycine, which is neutral and non-polar, with valine, which is neutral and non-polar, at codon 112 of the ANO5 protein (p.Gly112Val). This variant is not present in population databases (gnomAD no frequency). This variant has not been reported in the literature in individuals affected with ANO5-related conditions. Invitae Evidence Modeling of protein sequence and biophysical properties (such as structural, functional, and spatial information, amino acid conservation, physicochemical variation, residue mobility, and thermodynamic stability) indicates that this missense variant is expected to disrupt ANO5 protein function with a positive predictive value of 95%. In summary, the available evidence is currently insufficient to determine the role of this variant in disease. Therefore, it has been classified as a Variant of Uncertain Significance.

NM_213599.3(ANO5):c.335G>T (p.Gly112Val)

Gene: ANO5 (anoctamin 5; plus strand). Cytogenetic location: 11p14.3.
Variant type: single nucleotide variant.
Coding change: c.335G>T on transcript NM_213599.3 (MANE Select); coding-DNA position 335, G replaced by T.
Protein change: p.Gly112Val; replaces glycine 112 with valine.
Molecular consequence: missense variant.
Genome position (GRCh38, 1-based): chr11:22,226,024, G>T. VCF-style: chr11-22226024-G-T. GRCh37 (hg19) VCF-style: chr11-22247570-G-T.
Other names: c.332G>T, p.Gly111Val (NM_001142649.2); c.293G>T, p.Gly98Val (NM_001410963.1); c.290G>T, p.Gly97Val (NM_001410964.1); short protein forms G111V, G112V, G97V, G98V.
Identifiers: ClinVar variation 3753726 (VCV003753726.2).